The following is an entry in ClinVar:

ClinVar aggregate classification (germline): Uncertain significance (1 of 4 stars; one submission).

Conditions:
Hereditary nonpolyposis colorectal neoplasms. Identifiers: MedGen C0009405, MeSH D003123.

Submission:

Labcorp Genetics (formerly Invitae), Labcorp
Classification: Uncertain significance for Hereditary nonpolyposis colorectal neoplasms. Last evaluated: 2022-06-20. Review status: criteria provided, single submitter. Criteria: Invitae Variant Classification Sherloc (09022015). Collection method: clinical testing. Allele origin: germline.
Comment: In summary, the available evidence is currently insufficient to determine the role of this variant in disease. Therefore, it has been classified as a Variant of Uncertain Significance. Advanced modeling of protein sequence and biophysical properties (such as structural, functional, and spatial information, amino acid conservation, physicochemical variation, residue mobility, and thermodynamic stability) performed at Invitae indicates that this missense variant is not expected to disrupt MSH6 protein function. This variant has not been reported in the literature in individuals affected with MSH6-related conditions. This variant is not present in population databases (gnomAD no frequency). This sequence change replaces asparagine, which is neutral and polar, with threonine, which is neutral and polar, at codon 960 of the MSH6 protein (p.Asn960Thr).

NM_000179.3(MSH6):c.2879A>C (p.Asn960Thr)

Gene: MSH6 (mutS homolog 6; plus strand). Cytogenetic location: 2p16.3.
Variant type: single nucleotide variant.
Coding change: c.2879A>C on transcript NM_000179.3 (MANE Select); coding-DNA position 2879, A replaced by C.
Protein change: p.Asn960Thr; replaces asparagine 960 with threonine.
Molecular consequence: missense variant.
Genome position (GRCh38, 1-based): chr2:47,800,862, A>C. VCF-style: chr2-47800862-A-C. GRCh37 (hg19) VCF-style: chr2-48028001-A-C.
Other names: c.2879A>C, p.Asn960Thr (NM_001406809.1, NM_001406796.1, NM_001406798.1 and 2 more transcripts); c.1973A>C, p.Asn658Thr (NM_001406811.1, NM_001406812.1, NM_001406814.1 and 6 more transcripts); c.2885A>C, p.Asn962Thr (NM_001406813.1); c.2582A>C, p.Asn861Thr (NM_001406818.1, NM_001406819.1, NM_001406820.1 and 10 more transcripts); c.2489A>C, p.Asn830Thr (NM_001281492.2); c.2975A>C, p.Asn992Thr (NM_001406795.1, NM_001406802.1); c.2354A>C, p.Asn785Thr (NM_001406799.1, NM_001406806.1, NM_001406807.1); c.2801A>C, p.Asn934Thr (NM_001406804.1); and 2 more; short protein forms N275T, N861T, N934T, N785T, N992T, N658T, N830T, N904T.
Identifiers: ClinVar variation 2007397 (VCV002007397.4), dbSNP rs746341645, ClinGen allele CA346756020.